The following is an entry in ClinVar:

ClinVar aggregate classification (germline): Conflicting classifications of pathogenicity. Review status: criteria provided, conflicting classifications (1 of 4 stars). 4 submissions from 4 submitters: Likely pathogenic (3); Uncertain significance (1). Last evaluated 2025-11-20.

Conditions:
Gaucher disease type I (GD1). Also called: GD 1; Type 1 Gaucher Disease; Gaucher's disease, type 1; ACID BETA-GLUCOSIDASE DEFICIENCY; GAUCHER DISEASE, NONCEREBRAL JUVENILE; GBA DEFICIENCY. Identifiers: Orphanet 355, Orphanet 77259, MedGen C1961835, MONDO:0009265, OMIM 230800.
Gaucher disease. Also called: Acute cerebral Gaucher disease; Cerebroside lipidosis syndrome; Gaucher splenomegaly; Sphingolipidosis 1; Glucocerebrosidosis; Glucosylceramidase deficiency. Identifiers: Orphanet 355, MedGen C0017205, MONDO:0018150.

Allele frequency attached by ClinVar (database versions not stated): gnomAD exomes below 0.00001; ExAC 0.00001; TOPMed 0.00001; ESP Exome Variant Server 0.00008.
gnomAD v4.1: 3 of 1,613,548 alleles (0.00019%); highest among the groups gnomAD compares: African/African-American, 0.0013%; no homozygotes.

Submissions (4):

Natera, Inc.
Classification: Likely pathogenic for Gaucher disease. Last evaluated: 2025-11-20. Review status: criteria provided, single submitter. Criteria: Natera Variant Classification Schema (03/2026). Collection method: clinical testing. Allele origin: germline.
Comment: The c.484A>G variant in GBA1 is a missense variant predicted to cause substitution of methionine to valine at amino acid 162. This variant is rare in the general population with a frequency below the threshold expected for the associated phenotype(s). This variant has been identified in one or more affected individual with a phenotype highly consistent with the associated gene (PMID: 28580830). A different variant at the same position has been determined to be Pathogenic or Likely Pathogenic. Computational prediction algorithms indicate this variant is likely to affect gene or protein function. Given the available evidence, this variant is classified as Likely Pathogenic.

Women's Health and Genetics/Laboratory Corporation of America, LabCorp
Classification: Likely pathogenic for Gaucher disease. Last evaluated: 2023-04-26. Review status: criteria provided, single submitter. Criteria: LabCorp Variant Classification Summary - May 2015. Collection method: clinical testing. Allele origin: germline.
Comment: Variant summary: GBA c.484A>G (p.Met162Val) results in a conservative amino acid change located in the Glycosyl hydrolase family 30, TIM-barrel domain (IPR033453) of the encoded protein sequence. Three of five in-silico tools predict a damaging effect of the variant on protein function. The variant allele was found at a frequency of 8e-06 in 251182 control chromosomes. c.484A>G has been reported in the literature as a homozygous or a compound heterozygous genotype in individuals affected with Gaucher Disease (example, Wan_2017, Feng_2018). These data indicate that the variant may be associated with disease. At least one publication reports experimental evidence evaluating an impact on protein function (Liou_2006). The most pronounced variant effect results in <10% of normal activity. The following publications have been ascertained in the context of this evaluation (PMID: 27865684, 16293621, 28580830). Two clinical diagnostic laboratories have submitted clinical-significance assessments for this variant to ClinVar after 2014 without evidence for independent evaluation. One laboratory classified the variant as likely pathogenic and one laboratory classified the variant as uncertain significance. Based on the evidence outlined above, the variant was classified as likely pathogenic.

Johns Hopkins Genomics, Johns Hopkins University
Classification: Uncertain significance for Gaucher disease type I. Last evaluated: 2022-02-17. Review status: criteria provided, single submitter. Criteria: ACMG Guidelines, 2015. Collection method: clinical testing. Allele origin: germline.
Comment: This GBA variant (rs377325220) is rare (<0.1%) in a large population dataset (gnomAD: 2/251182 total alleles; 0.0008%; no homozygotes), and has not been reported in ClinVar. Of three bioinformatics tools queried, one predicts that the substitution would be possibly damaging, while two predict that it would be tolerated, and the methionine residue at this position is highly evolutionarily conserved across the species assessed. We consider the clinical significance of GBA c.484A>G to be uncertain at this time.

Revvity Omics, Revvity
Classification: Likely pathogenic. Last evaluated: 2022-01-12. Review status: criteria provided, single submitter. Criteria: ACMG Guidelines, 2015. Collection method: clinical testing. Allele origin: germline.

Literature cited by the submitters: PubMed 28580830 (cited by 3 submitters); PubMed 16293621 (cited by Women's Health and Genetics/Laboratory Corporation of America, LabCorp); PubMed 27865684 (cited by Women's Health and Genetics/Laboratory Corporation of America, LabCorp and Johns Hopkins Genomics, Johns Hopkins University); PubMed 26316492 (cited by Johns Hopkins Genomics, Johns Hopkins University).

NM_000157.4(GBA1):c.484A>G (p.Met162Val)

Genes: GBA1 (glucosylceramidase beta 1; minus strand), LOC106627981 (GBA recombination region; plus strand). Cytogenetic location: 1q22.
Variant type: single nucleotide variant.
Coding change: c.484A>G on transcript NM_000157.4 (MANE Select); coding-DNA position 484, A replaced by G.
Protein change: p.Met162Val; replaces methionine 162 with valine.
Molecular consequence: missense variant.
Genome position (GRCh38, 1-based): chr1:155,238,621, T>C on the plus strand (A>G on the coding strand, the complement: GBA1 is on the minus strand). VCF-style: chr1-155238621-T-C. GRCh37 (hg19) VCF-style: chr1-155208412-T-C.
Other names: c.484A>G, p.Met162Val (NM_001005741.3, NM_001005742.3); c.223A>G, p.Met75Val (NM_001171811.2); c.337A>G, p.Met113Val (NM_001171812.2); c.484A>G (NM_001005741.2, NM_000157.3); short protein forms M113V, M162V, M75V.
Identifiers: ClinVar variation 1704378 (VCV001704378.6), dbSNP rs377325220, ClinGen allele CA1141733.